The following is an entry in ClinVar:

ClinVar aggregate classification (germline): Uncertain significance (1 of 4 stars; one submission).

Conditions:
Lipoic acid synthetase deficiency. Also called: HYPERGLYCINEMIA, LACTIC ACIDOSIS, AND SEIZURES. Identifiers: Orphanet 401859, MedGen C3280887, MONDO:0013762, OMIM 614462.

Allele frequency attached by ClinVar (database versions not stated): gnomAD exomes below 0.00001 and 0.00001; TOPMed below 0.00001; gnomAD 0.00001.
gnomAD v4.1: 11 of 1,594,976 alleles (0.00069%); highest among the groups gnomAD compares: Non-Finnish European, 0.00094%; no homozygotes.

Submission:

Labcorp Genetics (formerly Invitae), Labcorp
Classification: Uncertain significance for Lipoic acid synthetase deficiency. Last evaluated: 2022-08-16. Review status: criteria provided, single submitter. Criteria: Invitae Variant Classification Sherloc (09022015). Collection method: clinical testing. Allele origin: germline.
Comment: This sequence change replaces histidine, which is basic and polar, with tyrosine, which is neutral and polar, at codon 236 of the LIAS protein (p.His236Tyr). This variant is present in population databases (no rsID available, gnomAD 0.0009%). This variant has not been reported in the literature in individuals affected with LIAS-related conditions. ClinVar contains an entry for this variant (Variation ID: 1449950). Algorithms developed to predict the effect of missense changes on protein structure and function (SIFT, PolyPhen-2, Align-GVGD) all suggest that this variant is likely to be disruptive. In summary, the available evidence is currently insufficient to determine the role of this variant in disease. Therefore, it has been classified as a Variant of Uncertain Significance.

NM_006859.4(LIAS):c.706C>T (p.His236Tyr)

Gene: LIAS (lipoic acid synthetase; plus strand). Cytogenetic location: 4p14.
Variant type: single nucleotide variant.
Coding change: c.706C>T on transcript NM_006859.4 (MANE Select); coding-DNA position 706, C replaced by T.
Protein change: p.His236Tyr; replaces histidine 236 with tyrosine.
Molecular consequence: missense variant. On other transcripts: intron variant (1).
Genome position (GRCh38, 1-based): chr4:39,467,615, C>T. VCF-style: chr4-39467615-C-T. GRCh37 (hg19) VCF-style: chr4-39469235-C-T.
Other names: c.397C>T, p.His133Tyr (NM_001363700.2); c.706C>T, p.His236Tyr (NM_194451.3); c.608+2273C>T (NM_001278590.2); short protein forms H133Y, H236Y.
Identifiers: ClinVar variation 1449950 (VCV001449950.8), dbSNP rs1426782379, ClinGen allele CA356665044.